The following is an entry in ClinVar:

NM_024537.4(CARS2):c.1492C>A (p.Arg498=)

Gene: CARS2 (cysteinyl-tRNA synthetase 2, mitochondrial; minus strand). Cytogenetic location: 13q34.
Variant type: single nucleotide variant.
Coding change: c.1492C>A on transcript NM_024537.4 (MANE Select); coding-DNA position 1492, C replaced by A.
Protein change: p.Arg498=; no amino-acid change (arginine 498 retained).
Molecular consequence: synonymous variant. On other transcripts: non-coding transcript variant (2).
Genome position (GRCh38, 1-based): chr13:110,642,446, G>T on the plus strand (C>A on the coding strand, the complement: CARS2 is on the minus strand). VCF-style: chr13-110642446-G-T. GRCh37 (hg19) VCF-style: chr13-111294793-G-T.
Other names: c.1492C>A (NM_024537.2); c.706C>A, p.Arg236= (NM_001352252.2).
Identifiers: ClinVar variation 933858 (VCV000933858.10), dbSNP rs758217572, ClinGen allele CA484981938.

ClinVar aggregate classification (germline): Conflicting classifications of pathogenicity. Review status: criteria provided, conflicting classifications (1 of 4 stars). 2 submissions from 2 submitters: Uncertain significance (1); Likely benign (1). Last evaluated 2024-02-17.

Conditions:
Combined oxidative phosphorylation defect type 27. Also called: Combined oxidative phosphorylation deficiency 27. Identifiers: Orphanet 477774, MedGen C5567608, MONDO:0014728, OMIM 616672.

Submissions (2):

Labcorp Genetics (formerly Invitae), Labcorp
Classification: Likely benign for Combined oxidative phosphorylation defect type 27. Last evaluated: 2024-02-17. Review status: criteria provided, single submitter. Criteria: Invitae Variant Classification Sherloc (09022015). Collection method: clinical testing. Allele origin: germline.

GeneDx
Classification: Uncertain significance. Last evaluated: 2024-01-05. Review status: criteria provided, single submitter. Criteria: GeneDx Variant Classification Process June 2021. Collection method: clinical testing. Allele origin: germline. Affected: yes.
Comment: Not observed at significant frequency in large population cohorts (gnomAD); In silico analysis supports that this variant does not alter splicing; Has not been previously published as pathogenic or benign to our knowledge